The following is an entry in ClinVar:

NM_025243.4(SLC19A3):c.1173-47C>T

Gene: SLC19A3 (solute carrier family 19 member 3; minus strand). Cytogenetic location: 2q36.3.
Variant type: single nucleotide variant.
Coding change: c.1173-47C>T on transcript NM_025243.4 (MANE Select); 47 bases into the intron before coding-DNA position 1173, C replaced by T.
Molecular consequence: intron variant.
Genome position (GRCh38, 1-based): chr2:227,688,354, G>A on the plus strand (C>T on the coding strand, the complement: SLC19A3 is on the minus strand). VCF-style: chr2-227688354-G-A. GRCh37 (hg19) VCF-style: chr2-228553070-G-A.
Identifiers: ClinVar variation 673652 (VCV000673652.2), dbSNP rs73997321, ClinGen allele CA2149138.

ClinVar aggregate classification (germline): Benign. Review status: criteria provided, multiple submitters, no conflicts (2 of 4 stars). 2 submissions from 2 submitters: Benign (2). Last evaluated 2018-06-14.

Allele frequency attached by ClinVar (database versions not stated): 1000 Genomes Project 30x 0.03576; 1000 Genomes Project 0.03734; gnomAD exomes 0.04077 and 0.04720; gnomAD 0.04154 and 0.04170; TOPMed 0.04155; ExAC 0.04207; ESP Exome Variant Server 0.04222.
gnomAD v4.1: 73,690 of 1,579,994 alleles (4.7%); highest among the groups gnomAD compares: Middle Eastern, 6.1%; 1,854 homozygotes.

Submissions (2):

GeneDx
Classification: Benign. Last evaluated: 2018-06-14. Review status: criteria provided, single submitter. Criteria: GeneDx Variant Classification (06012015). Collection method: clinical testing. Allele origin: germline. Affected: yes.
Comment: This variant is considered likely benign or benign based on one or more of the following criteria: it is a conservative change, it occurs at a poorly conserved position in the protein, it is predicted to be benign by multiple in silico algorithms, and/or has population frequency not consistent with disease.

Breakthrough Genomics
Classification: Benign. Review status: criteria provided, single submitter. Criteria: ACMG Guidelines, 2015. Collection method: not provided. Allele origin: germline. Inheritance: Autosomal recessive inheritance. Affected: yes.